The following is an entry in ClinVar:

NM_000059.4(BRCA2):c.2956_2957insG (p.Asn986fs)

Gene: BRCA2 (BRCA2 DNA repair associated; plus strand). Cytogenetic location: 13q13.1.
Variant type: Insertion.
Coding change: c.2956_2957insG on transcript NM_000059.4 (MANE Select); coding-DNA positions 2956 to 2957, G inserted.
Protein change: p.Asn986fs; shifts the reading frame from asparagine 986.
Molecular consequence: frameshift variant.
Genome position: GRCh38 VCF-style: chr13-32337311-A-AG. GRCh37 (hg19) VCF-style: chr13-32911448-A-AG.
Other names: short protein forms N986fs.
Identifiers: ClinVar variation 548402 (VCV000548402.1), dbSNP rs1555282974, ClinGen allele CA658823645.

ClinVar aggregate classification (germline): Pathogenic (3 of 4 stars; one submission).

Conditions:
Breast-ovarian cancer, familial, susceptibility to, 2 (BROVCA2). Also called: BRCA2 Hereditary Breast and Ovarian Cancer. Identifiers: Orphanet 145, MedGen C2675520, MONDO:0012933, OMIM 612555. Disease mechanism: loss of function.

Submission:

Evidence-based Network for the Interpretation of Germline Mutant Alleles (ENIGMA)
Classification: Pathogenic for Breast-ovarian cancer, familial, susceptibility to, 2. Last evaluated: 2017-12-15. Review status: reviewed by expert panel. Criteria: ENIGMA BRCA1/2 Classification Criteria (2017-06-29). Collection method: curation. Allele origin: germline. Study: ENIGMA.
Comment: Variant allele predicted to encode a truncated non-functional protein.